The following is an entry in ClinVar:

ClinVar aggregate classification (germline): Uncertain significance. Review status: criteria provided, multiple submitters, no conflicts (2 of 4 stars). 4 submissions from 4 submitters: Uncertain significance (3). 1 of the submissions does not count toward it. Last evaluated 2023-02-23.

Conditions:
Inborn genetic diseases. Identifiers: MedGen C0950123, MeSH D030342.
Peroxisome biogenesis disorder 2B (PBD2B). Identifiers: Orphanet 44, MedGen C3550234, MONDO:0008736, OMIM 202370.
PEX5-related disorder. Also called: PEX5-related condition; PEX5-Related Disorders.

Allele frequency attached by ClinVar (database versions not stated): TOPMed 0.00001; gnomAD 0.00002 and 0.00003; ExAC 0.00008.
gnomAD v4.1: 56 of 1,613,640 alleles (0.0035%); highest among the groups gnomAD compares: South Asian, 0.045%; no homozygotes.

Submissions (4):

Ambry Genetics
Classification: Uncertain significance for Inborn genetic diseases. Last evaluated: 2023-02-23. Review status: criteria provided, single submitter. Criteria: Ambry Variant Classification Scheme 2023. Collection method: clinical testing. Allele origin: germline.

Labcorp Genetics (formerly Invitae), Labcorp
Classification: Uncertain significance for Peroxisome biogenesis disorder 2B. Last evaluated: 2022-08-09. Review status: criteria provided, single submitter. Criteria: Invitae Variant Classification Sherloc (09022015). Collection method: clinical testing. Allele origin: germline.
Comment: This sequence change replaces arginine, which is basic and polar, with tryptophan, which is neutral and slightly polar, at codon 301 of the PEX5 protein (p.Arg301Trp). This variant is present in population databases (rs767306549, gnomAD 0.04%). This variant has not been reported in the literature in individuals affected with PEX5-related conditions. ClinVar contains an entry for this variant (Variation ID: 1031131). Algorithms developed to predict the effect of missense changes on protein structure and function are either unavailable or do not agree on the potential impact of this missense change (SIFT: "Deleterious"; PolyPhen-2: "Possibly Damaging"; Align-GVGD: "Class C0"). In summary, the available evidence is currently insufficient to determine the role of this variant in disease. Therefore, it has been classified as a Variant of Uncertain Significance.

Baylor Genetics
Classification: Uncertain significance for Peroxisome biogenesis disorder 2B. Last evaluated: 2020-11-06. Review status: criteria provided, single submitter. Criteria: ACMG Guidelines, 2015. Collection method: clinical testing. Allele origin: unknown. Affected: yes.
Comment: This variant was determined to be of uncertain significance according to ACMG Guidelines, 2015 [PMID:25741868].

PreventionGenetics, part of Exact Sciences
Classification: Uncertain significance for PEX5-related condition. Last evaluated: 2024-02-19. Review status: no assertion criteria provided. Collection method: clinical testing. Allele origin: germline. Not counted in ClinVar's aggregate classification.
Comment: The PEX5 c.901C>T variant is predicted to result in the amino acid substitution p.Arg301Trp. To our knowledge, this variant has not been reported in the literature. This variant is reported in 0.039% of alleles in individuals of South Asian descent in gnomAD. At this time, the clinical significance of this variant is uncertain due to the absence of conclusive functional and genetic evidence.

NM_001351132.2(PEX5):c.901C>T (p.Arg301Trp)

Gene: PEX5 (peroxisomal biogenesis factor 5; plus strand). Cytogenetic location: 12p13.31.
Variant type: single nucleotide variant.
Coding change: c.901C>T on transcript NM_001351132.2 (MANE Select); coding-DNA position 901, C replaced by T.
Protein change: p.Arg301Trp; replaces arginine 301 with tryptophan.
Molecular consequence: missense variant.
Genome position (GRCh38, 1-based): chr12:7,203,486, C>T. VCF-style: chr12-7203486-C-T. GRCh37 (hg19) VCF-style: chr12-7356082-C-T.
Other names: c.877C>T, p.Arg293Trp (NM_000319.5); c.946C>T, p.Arg316Trp (NM_001131023.2); c.790C>T, p.Arg264Trp (NM_001131024.2, NM_001351124.3, NM_001351126.2 and 7 more transcripts); c.901C>T, p.Arg301Trp (NM_001131025.2, NM_001131026.2, NM_001300789.3 and 5 more transcripts); c.835C>T, p.Arg279Trp (NM_001351135.3, NM_001351138.2); c.766C>T, p.Arg256Trp (NM_001351139.2, NM_001351140.2, NM_001374649.2); short protein forms R256W, R264W, R301W, R279W, R293W, R316W.
Identifiers: ClinVar variation 1031131 (VCV001031131.8), dbSNP rs767306549, ClinGen allele CA6426310.